The following is an entry in ClinVar:

NM_001040142.2(SCN2A):c.1597A>G (p.Arg533Gly)

Gene: SCN2A (sodium voltage-gated channel alpha subunit 2; plus strand). Cytogenetic location: 2q24.3.
Variant type: single nucleotide variant.
Coding change: c.1597A>G on transcript NM_001040142.2 (MANE Select); coding-DNA position 1597, A replaced by G.
Protein change: p.Arg533Gly; replaces arginine 533 with glycine.
Molecular consequence: missense variant.
Genome position (GRCh38, 1-based): chr2:165,315,684, A>G. VCF-style: chr2-165315684-A-G. GRCh37 (hg19) VCF-style: chr2-166172194-A-G.
Other names: c.1597A>G, p.Arg533Gly (NM_001040143.2, NM_001371246.1, NM_001371247.1 and 1 more transcripts); short protein forms R533G.
Identifiers: ClinVar variation 3900123 (VCV003900123.1).
Genomic context (GRCh38, chr2:165,315,684, plus strand): 5'-CAGTCTGGAGAAGAAGAGAAAAATGACAGAGTCCGAAAATCGGAATCTGAAGACAGCATA[A>G]GAAGAAAAGGTTTCCGTTTTTCCTTGGAAGGAAGTAGGCTGACATATGAAAAGAGATTTT-3'
Protein context (NP_001035232.1, residues 523-543): VRKSESEDSI[Arg533Gly]RKGFRFSLEG

ClinVar aggregate classification (germline): Uncertain significance (1 of 4 stars; one submission).

gnomAD v4.1: 1 of 1,613,992 alleles (0.000062%); highest among the groups gnomAD compares: Non-Finnish European, 0.000085%; no homozygotes.

Submission:

GeneDx
Classification: Uncertain significance. Last evaluated: 2024-11-22. Review status: criteria provided, single submitter. Criteria: GeneDx Variant Classification Process June 2021. Collection method: clinical testing. Allele origin: germline. Affected: yes.
Comment: Not observed at significant frequency in large population cohorts (gnomAD); In silico analysis supports that this missense variant has a deleterious effect on protein structure/function; This substitution is predicted to be in the cytoplasmic loop between the first and second homologous domains; Has not been previously published as pathogenic or benign to our knowledge